The following is an entry in ClinVar:

NM_004104.5(FASN):c.5456G>T (p.Arg1819Leu)

Gene: FASN (fatty acid synthase; minus strand). Cytogenetic location: 17q25.3.
Variant type: single nucleotide variant.
Coding change: c.5456G>T on transcript NM_004104.5 (MANE Select); coding-DNA position 5456, G replaced by T.
Protein change: p.Arg1819Leu; replaces arginine 1819 with leucine.
Molecular consequence: missense variant.
Genome position (GRCh38, 1-based): chr17:82,083,311, C>A on the plus strand (G>T on the coding strand, the complement: FASN is on the minus strand). VCF-style: chr17-82083311-C-A. GRCh37 (hg19) VCF-style: chr17-80041187-C-A.
Other names: short protein forms R1819L.
Identifiers: ClinVar variation 462074 (VCV000462074.8), dbSNP rs200377258, ClinGen allele CA8851682.

ClinVar aggregate classification (germline): Uncertain significance (1 of 4 stars; one submission).

Conditions:
Epileptic encephalopathy. Identifiers: MedGen C0543888, HP:0200134.

Submission:

Labcorp Genetics (formerly Invitae), Labcorp
Classification: Uncertain significance for Epileptic encephalopathy. Last evaluated: 2025-11-10. Review status: criteria provided, single submitter. Criteria: Invitae Variant Classification Sherloc (09022015). Collection method: clinical testing. Allele origin: germline.
Comment: This sequence change replaces arginine, which is basic and polar, with leucine, which is neutral and non-polar, at codon 1819 of the FASN protein (p.Arg1819Leu). This variant is present in population databases (rs200377258, gnomAD 0.002%). This variant has not been reported in the literature in individuals affected with FASN-related conditions. ClinVar contains an entry for this variant (Variation ID: 462074). An algorithm developed to predict the effect of missense changes on protein structure and function (PolyPhen-2) suggests that this variant is likely to be tolerated. In summary, the available evidence is currently insufficient to determine the role of this variant in disease. Therefore, it has been classified as a Variant of Uncertain Significance.